The following is an entry in ClinVar:

NM_016507.4(CDK12):c.1528G>A (p.Glu510Lys)

Gene: CDK12 (cyclin dependent kinase 12; plus strand). Cytogenetic location: 17q12.
Variant type: single nucleotide variant.
Coding change: c.1528G>A on transcript NM_016507.4 (MANE Select); coding-DNA position 1528, G replaced by A.
Protein change: p.Glu510Lys; replaces glutamic acid 510 with lysine.
Molecular consequence: missense variant.
Genome position (GRCh38, 1-based): chr17:39,471,360, G>A. VCF-style: chr17-39471360-G-A. GRCh37 (hg19) VCF-style: chr17-37627613-G-A.
Other names: c.1528G>A, p.Glu510Lys (NM_015083.4); short protein forms E510K.
Identifiers: ClinVar variation 5034187 (VCV005034187.1).

ClinVar aggregate classification (germline): Uncertain significance (1 of 4 stars; one submission).

Submission:

Ambry Genetics
Classification: Uncertain significance. Last evaluated: 2026-09-06. Review status: criteria provided, single submitter. Criteria: Ambry Variant Classification Scheme 2023. Collection method: clinical testing. Allele origin: germline.
Comment: The p.E510K variant (also known as c.1528G>A), located in coding exon 2 of the CDK12 gene, results from a G to A substitution at nucleotide position 1528. The glutamic acid at codon 510 is replaced by lysine, an amino acid with similar properties. This amino acid position is conserved. In addition, the in silico prediction for this alteration is inconclusive. Based on the available evidence, the clinical significance of this variant remains unclear.